The following is an entry in ClinVar:

ClinVar aggregate classification (germline): Uncertain significance. Review status: criteria provided, multiple submitters, no conflicts (2 of 4 stars). 2 submissions from 2 submitters: Uncertain significance (2). Last evaluated 2025-12-16.

Conditions:
Inborn genetic diseases. Identifiers: MedGen C0950123, MeSH D030342.
Autosomal dominant Parkinson disease 8. Also called: LRRK2-Related Parkinson Disease; Parkinson disease 8; Parkinson disease 8, susceptibility to. Identifiers: Orphanet 411602, MedGen C1846862, MONDO:0011764, OMIM 607060.

Allele frequency attached by ClinVar (database versions not stated): gnomAD exomes below 0.00001; TOPMed below 0.00001.
gnomAD v4.1: 2 of 1,613,210 alleles (0.00012%); highest among the groups gnomAD compares: Admixed American, 0.0017%; no homozygotes.

Submissions (2):

Labcorp Genetics (formerly Invitae), Labcorp
Classification: Uncertain significance for Autosomal dominant Parkinson disease 8. Last evaluated: 2025-12-16. Review status: criteria provided, single submitter. Criteria: Invitae Variant Classification Sherloc (09022015). Collection method: clinical testing. Allele origin: germline.
Comment: This sequence change replaces tyrosine, which is neutral and polar, with cysteine, which is neutral and slightly polar, at codon 205 of the LRRK2 protein (p.Tyr205Cys). This variant is not present in population databases (gnomAD no frequency). This missense change has been observed in individual(s) with Parkinson disease (PMID: 39051491). ClinVar contains an entry for this variant (Variation ID: 1751867). Invitae Evidence Modeling of protein sequence and biophysical properties (such as structural, functional, and spatial information, amino acid conservation, physicochemical variation, residue mobility, and thermodynamic stability) has been performed for this missense variant. However, the output from this modeling did not meet the statistical confidence thresholds required to predict the impact of this variant on LRRK2 protein function. In summary, the available evidence is currently insufficient to determine the role of this variant in disease. Therefore, it has been classified as a Variant of Uncertain Significance.

Ambry Genetics
Classification: Uncertain significance for Inborn genetic diseases. Last evaluated: 2023-12-25. Review status: criteria provided, single submitter. Criteria: Ambry Variant Classification Scheme 2023. Collection method: clinical testing. Allele origin: germline.
Comment: The p.Y205C variant (also known as c.614A>G), located in coding exon 6 of the LRRK2 gene, results from an A to G substitution at nucleotide position 614. The tyrosine at codon 205 is replaced by cysteine, an amino acid with highly dissimilar properties. This amino acid position is conserved. In addition, the in silico prediction for this alteration is inconclusive. Since supporting evidence is limited at this time, the clinical significance of this alteration remains unclear.

Literature cited by the submitters: PubMed 39051491 (cited by Labcorp Genetics (formerly Invitae), Labcorp).

NM_198578.4(LRRK2):c.614A>G (p.Tyr205Cys)

Gene: LRRK2 (leucine rich repeat kinase 2; plus strand). Cytogenetic location: 12q12.
Variant type: single nucleotide variant.
Coding change: c.614A>G on transcript NM_198578.4 (MANE Select); coding-DNA position 614, A replaced by G.
Protein change: p.Tyr205Cys; replaces tyrosine 205 with cysteine.
Molecular consequence: missense variant.
Genome position (GRCh38, 1-based): chr12:40,240,525, A>G. VCF-style: chr12-40240525-A-G. GRCh37 (hg19) VCF-style: chr12-40634327-A-G.
Other names: short protein forms Y205C.
Identifiers: ClinVar variation 1751867 (VCV001751867.8), dbSNP rs1027893010, ClinGen allele CA235353215.
Genomic context (GRCh38, chr12:40,240,525, plus strand): 5'-TTGTCTTTCATTTTTAAGTCTCAGAGGAGCAACTGACTGAATTTGTTGAGAACAAAGATT[A>G]TATGATATTGTTAAGTGCGTTAACAAATTTTAAAGATGAAGAGGAAATTGTGCTTCATGT-3'
Protein context (NP_940980.4, residues 195-215): QLTEFVENKD[Tyr205Cys]MILLSALTNF